The following is an entry in ClinVar:

ClinVar aggregate classification (germline): Uncertain significance. Review status: criteria provided, multiple submitters, no conflicts (2 of 4 stars). 2 submissions from 2 submitters: Uncertain significance (2). Last evaluated 2024-12-05.

Allele frequency attached by ClinVar (database versions not stated): 1000 Genomes Project 0.00040; 1000 Genomes Project 30x 0.00047.
gnomAD v4.1: 67 of 1,614,070 alleles (0.0042%); highest among the groups gnomAD compares: East Asian, 0.031%; no homozygotes.

Submissions (2):

Labcorp Genetics (formerly Invitae), Labcorp
Classification: Uncertain significance. Last evaluated: 2024-12-05. Review status: criteria provided, single submitter. Criteria: Invitae Variant Classification Sherloc (09022015). Collection method: clinical testing. Allele origin: germline.
Comment: This sequence change replaces aspartic acid, which is acidic and polar, with asparagine, which is neutral and polar, at codon 551 of the MICAL1 protein (p.Asp551Asn). This variant is present in population databases (rs200751714, gnomAD 0.02%). This variant has not been reported in the literature in individuals affected with MICAL1-related conditions. ClinVar contains an entry for this variant (Variation ID: 2040646). An algorithm developed to predict the effect of missense changes on protein structure and function outputs the following: PolyPhen-2: "Benign". The asparagine amino acid residue is found in multiple mammalian species, which suggests that this missense change does not adversely affect protein function. In summary, the available evidence is currently insufficient to determine the role of this variant in disease. Therefore, it has been classified as a Variant of Uncertain Significance.

Ambry Genetics
Classification: Uncertain significance. Last evaluated: 2023-05-24. Review status: criteria provided, single submitter. Criteria: Ambry Variant Classification Scheme 2023. Collection method: clinical testing. Allele origin: germline.

NM_022765.4(MICAL1):c.1594G>A (p.Asp532Asn)

Gene: MICAL1 (microtubule associated monooxygenase, calponin and LIM domain containing 1; minus strand). Cytogenetic location: 6q21.
Variant type: single nucleotide variant.
Coding change: c.1594G>A on transcript NM_022765.4 (MANE Select); coding-DNA position 1594, G replaced by A.
Protein change: p.Asp532Asn; replaces aspartic acid 532 with asparagine.
Molecular consequence: missense variant.
Genome position (GRCh38, 1-based): chr6:109,448,802, C>T on the plus strand (G>A on the coding strand, the complement: MICAL1 is on the minus strand). VCF-style: chr6-109448802-C-T. GRCh37 (hg19) VCF-style: chr6-109770005-C-T.
Other names: c.1594G>A (NM_022765.3); c.1336G>A, p.Asp446Asn (NM_001159291.2); c.1651G>A, p.Asp551Asn (NM_001286613.2); short protein forms D446N, D532N, D551N.
Identifiers: ClinVar variation 2040646 (VCV002040646.6), dbSNP rs200751714, ClinGen allele CA3953289.